The following is an entry in ClinVar:

ClinVar aggregate classification (germline): Likely benign (1 of 4 stars; one submission).

Submission:

CeGaT Center for Human Genetics Tuebingen
Classification: Likely benign. Last evaluated: 2023-02-01. Review status: criteria provided, single submitter. Criteria: CeGaT Center For Human Genetics Tuebingen Variant Classification Criteria Version 2. Collection method: clinical testing. Allele origin: germline. Affected: yes. Observed: 1 variant allele.
Comment: TBC1D12: BS2

NM_015188.2(TBC1D12):c.154GCTGACGAGGAGGAGGAG[1] (p.52ADEEEE[1])

Gene: TBC1D12 (TBC1 domain family member 12; plus strand). Cytogenetic location: 10q23.33.
Variant type: Microsatellite.
Coding change: c.154GCTGACGAGGAGGAGGAG[1] on transcript NM_015188.2 (MANE Select); one copy of the 18-base unit GCTGACGAGGAGGAGGAG starting at c.154; the reference has two copies in a row; one copy, 18 bases deleted.
Protein change: p.52ADEEEE[1].
Molecular consequence: inframe deletion.
Genome position (GRCh38, 1-based): chr10:94,402,785-94,402,802, GCTGACGAGGAGGAGGAG deleted; deleting any 18 consecutive bases within chr10:94,402,760-94,402,802 gives the same sequence; the position shown is the placement nearest the transcript's 3' end. VCF-style (leftmost placement, unchanged base first): chr10-94402759-CGGAGGAGGCTGACGAGGA-C. GRCh37 (hg19) VCF-style: chr10-96162516-CGGAGGAGGCTGACGAGGA-C.
Identifiers: ClinVar variation 2640704 (VCV002640704.24), dbSNP rs760244892, ClinGen allele CA5614604.